The following is an entry in ClinVar:

ClinVar aggregate classification (germline): Likely benign (1 of 4 stars; one submission).

Conditions:
CREBBP-related disorder. Also called: CREBBP-related disorders; CREBBP-related condition.

Submission:

PreventionGenetics, part of Exact Sciences
Classification: Likely benign for CREBBP-related condition. Last evaluated: 2025-04-04. Review status: criteria provided, single submitter. Criteria: ACMG Guidelines, 2015. Collection method: clinical testing. Allele origin: germline.
Comment: This variant is classified as likely benign based on ACMG/AMP sequence variant interpretation guidelines (Richards et al. 2015 PMID: 25741868, with internal and published modifications).

NM_004380.3(CREBBP):c.1563C>G (p.Leu521=)

Gene: CREBBP (CREB binding lysine acetyltransferase; minus strand). Cytogenetic location: 16p13.3.
Variant type: single nucleotide variant.
Coding change: c.1563C>G on transcript NM_004380.3 (MANE Select); coding-DNA position 1563, C replaced by G.
Protein change: p.Leu521=; no amino-acid change (leucine 521 retained).
Molecular consequence: synonymous variant.
Genome position (GRCh38, 1-based): chr16:3,782,694, G>C on the plus strand (C>G on the coding strand, the complement: CREBBP is on the minus strand). VCF-style: chr16-3782694-G-C. GRCh37 (hg19) VCF-style: chr16-3832695-G-C.
Other names: c.1449C>G, p.Leu483= (NM_001079846.1).
Identifiers: ClinVar variation 5000719 (VCV005000719.1).